The following is an entry in ClinVar:

ClinVar aggregate classification (germline): Uncertain significance (1 of 4 stars; one submission).

Allele frequency attached by ClinVar (database versions not stated): gnomAD exomes below 0.00001.
gnomAD v4.1: 2 of 1,614,146 alleles (0.00012%); highest among the groups gnomAD compares: South Asian, 0.0011%; no homozygotes.

Submission:

Labcorp Genetics (formerly Invitae), Labcorp
Classification: Uncertain significance. Last evaluated: 2022-01-21. Review status: criteria provided, single submitter. Criteria: Invitae Variant Classification Sherloc (09022015). Collection method: clinical testing. Allele origin: germline.
Comment: This variant is not present in population databases (gnomAD no frequency). This sequence change replaces threonine, which is neutral and polar, with alanine, which is neutral and non-polar, at codon 900 of the CNGB1 protein (p.Thr900Ala). This variant has not been reported in the literature in individuals affected with CNGB1-related conditions. Algorithms developed to predict the effect of missense changes on protein structure and function (SIFT, PolyPhen-2, Align-GVGD) all suggest that this variant is likely to be tolerated. In summary, the available evidence is currently insufficient to determine the role of this variant in disease. Therefore, it has been classified as a Variant of Uncertain Significance.

NM_001297.5(CNGB1):c.2698A>G (p.Thr900Ala)

Gene: CNGB1 (cyclic nucleotide gated channel subunit beta 1; minus strand). Cytogenetic location: 16q21.
Variant type: single nucleotide variant.
Coding change: c.2698A>G on transcript NM_001297.5 (MANE Select); coding-DNA position 2698, A replaced by G.
Protein change: p.Thr900Ala; replaces threonine 900 with alanine.
Molecular consequence: missense variant.
Genome position (GRCh38, 1-based): chr16:57,903,918, T>C on the plus strand (A>G on the coding strand, the complement: CNGB1 is on the minus strand). VCF-style: chr16-57903918-T-C. GRCh37 (hg19) VCF-style: chr16-57937822-T-C.
Other names: c.2680A>G, p.Thr894Ala (NM_001286130.2); short protein forms T900A, T894A.
Identifiers: ClinVar variation 2062053 (VCV002062053.3), dbSNP rs2544618925, ClinGen allele CA396057873.
Genomic context (GRCh38, chr16:57,903,918, plus strand): 5'-AGGTCTTGACGCGGTTCTGCACGGACTTGGGGATCTTGTAGAAATTCATGTACTTCACCG[T>C]GCTGTCCATGCAGCTGCGGTAGTAGGTCTGTCCGGCGGTGGCGGCCCCTACCACATCTCT-3'
Protein context (NP_001288.3, residues 890-910): QTYYRSCMDS[Thr900Ala]VKYMNFYKIP